The following is an entry in ClinVar:

NM_001613.4(ACTA2):c.548C>G (p.Ala183Gly)

Gene: ACTA2 (actin alpha 2, smooth muscle; minus strand). Cytogenetic location: 10q23.31.
Variant type: single nucleotide variant.
Coding change: c.548C>G on transcript NM_001613.4 (MANE Select); coding-DNA position 548, C replaced by G.
Protein change: p.Ala183Gly; replaces alanine 183 with glycine.
Molecular consequence: missense variant.
Genome position (GRCh38, 1-based): chr10:88,941,297, G>C on the plus strand (C>G on the coding strand, the complement: ACTA2 is on the minus strand). VCF-style: chr10-88941297-G-C. GRCh37 (hg19) VCF-style: chr10-90701054-G-C.
Other names: c.548C>G, p.Ala183Gly (NM_001141945.3, NM_001320855.2, NM_001406462.1 and 3 more transcripts); c.437C>G, p.Ala146Gly (NM_001406466.1); c.419C>G, p.Ala140Gly (NM_001406467.1, NM_001406468.1, NM_001406469.1); short protein forms A140G, A146G, A183G.
Identifiers: ClinVar variation 2995217 (VCV002995217.3), dbSNP rs2494537989, ClinGen allele CA377512116.

ClinVar aggregate classification (germline): Uncertain significance (1 of 4 stars; one submission).

Conditions:
Aortic aneurysm, familial thoracic 6 (AAT6). Also called: FAMILIAL THORACIC AORTIC ANEURYSM WITH LIVEDO RETICULARIS AND IRIS FLOCCULI. Identifiers: MedGen C2673186, MONDO:0012730, OMIM 611788.

Submission:

Labcorp Genetics (formerly Invitae), Labcorp
Classification: Uncertain significance for Aortic aneurysm, familial thoracic 6. Last evaluated: 2023-08-29. Review status: criteria provided, single submitter. Criteria: Invitae Variant Classification Sherloc (09022015). Collection method: clinical testing. Allele origin: germline.
Comment: Advanced modeling of protein sequence and biophysical properties (such as structural, functional, and spatial information, amino acid conservation, physicochemical variation, residue mobility, and thermodynamic stability) performed at Invitae indicates that this missense variant is not expected to disrupt ACTA2 protein function. This variant has not been reported in the literature in individuals affected with ACTA2-related conditions. This variant is not present in population databases (gnomAD no frequency). This sequence change replaces alanine, which is neutral and non-polar, with glycine, which is neutral and non-polar, at codon 183 of the ACTA2 protein (p.Ala183Gly). In summary, the available evidence is currently insufficient to determine the role of this variant in disease. Therefore, it has been classified as a Variant of Uncertain Significance.